The following is an entry in ClinVar:

NM_001999.4(FBN2):c.7396A>G (p.Ile2466Val)

Gene: FBN2 (fibrillin 2; minus strand). Cytogenetic location: 5q23.3.
Variant type: single nucleotide variant.
Coding change: c.7396A>G on transcript NM_001999.4 (MANE Select); coding-DNA position 7396, A replaced by G.
Protein change: p.Ile2466Val; replaces isoleucine 2466 with valine.
Molecular consequence: missense variant.
Genome position (GRCh38, 1-based): chr5:128,277,955, T>C on the plus strand (A>G on the coding strand, the complement: FBN2 is on the minus strand). VCF-style: chr5-128277955-T-C. GRCh37 (hg19) VCF-style: chr5-127613647-T-C.
Other names: short protein forms I2466V.
Identifiers: ClinVar variation 851237 (VCV000851237.11), dbSNP rs373370945, ClinGen allele CA3394131.

ClinVar aggregate classification (germline): Conflicting classifications of pathogenicity. Review status: criteria provided, conflicting classifications (1 of 4 stars). 2 submissions from 2 submitters: Uncertain significance (1); Benign (1). Last evaluated 2025-10-21.

Conditions:
Congenital contractural arachnodactyly (CCA). Also called: BEALS SYNDROME; Beals-Hecht syndrome; Arthrogryposis, distal, type 9. Identifiers: Orphanet 115, MedGen C0220668, MONDO:0007363, OMIM 121050.

Allele frequency attached by ClinVar (database versions not stated): ExAC 0.00001; gnomAD 0.00001; TOPMed 0.00001; gnomAD exomes 0.00003; ESP Exome Variant Server 0.00008.
gnomAD v4.1: 20 of 1,613,848 alleles (0.0012%); highest among the groups gnomAD compares: Admixed American, 0.0033%; no homozygotes.

Submissions (2):

Labcorp Genetics (formerly Invitae), Labcorp
Classification: Benign for Congenital contractural arachnodactyly. Last evaluated: 2025-10-21. Review status: criteria provided, single submitter. Criteria: Invitae Variant Classification Sherloc (09022015). Collection method: clinical testing. Allele origin: germline.

GeneDx
Classification: Uncertain significance. Last evaluated: 2019-05-06. Review status: criteria provided, single submitter. Criteria: GeneDx Variant Classification Process June 2021. Collection method: clinical testing. Allele origin: germline. Affected: yes.
Comment: Reported in patient with severe adolescent idiopathic scoliosis (Buchan et al., 2014); Although located in a calcium-binding EGF-like domain of the FBN2 gene, it does not affect a cysteine residue within this domain; cysteine substitutions in the calcium-binding EGF-like domains represent the majority of pathogenic missense changes associated with FBN2-related disorders (Collod-Beroud et al., 2003; Frederic et al., 2009); In silico analysis, which includes protein predictors and evolutionary conservation, supports that this variant does not alter protein structure/function; This variant is associated with the following publications: (PMID: 24833718)